The following is an entry in ClinVar:

ClinVar aggregate classification (germline): Uncertain significance (1 of 4 stars; one submission).

Submission:

GeneDx
Classification: Uncertain significance. Last evaluated: 2024-05-07. Review status: criteria provided, single submitter. Criteria: GeneDx Variant Classification Process June 2021. Collection method: clinical testing. Allele origin: germline. Affected: yes.
Comment: Not observed at significant frequency in large population cohorts (gnomAD); In silico analysis supports that this missense variant has a deleterious effect on protein structure/function; Has not been previously published as pathogenic or benign to our knowledge

NM_015057.5(MYCBP2):c.5605G>A (p.Gly1869Ser)

Gene: MYCBP2 (MYC binding protein 2; minus strand). Cytogenetic location: 13q22.3.
Variant type: single nucleotide variant.
Coding change: c.5605G>A on transcript NM_015057.5 (MANE Select); coding-DNA position 5605, G replaced by A.
Protein change: p.Gly1869Ser; replaces glycine 1869 with serine.
Molecular consequence: missense variant.
Genome position (GRCh38, 1-based): chr13:77,174,357, C>T on the plus strand (G>A on the coding strand, the complement: MYCBP2 is on the minus strand). VCF-style: chr13-77174357-C-T. GRCh37 (hg19) VCF-style: chr13-77748492-C-T.
Other names: short protein forms G1869S.
Identifiers: ClinVar variation 3376006 (VCV003376006.1).